The following is an entry in ClinVar:

NM_000388.4(CASR):c.1576G>A (p.Glu526Lys)

Gene: CASR (calcium sensing receptor; plus strand). Cytogenetic location: 3q21.1.
Variant type: single nucleotide variant.
Coding change: c.1576G>A on transcript NM_000388.4 (MANE Select); coding-DNA position 1576, G replaced by A.
Protein change: p.Glu526Lys; replaces glutamic acid 526 with lysine.
Molecular consequence: missense variant.
Genome position (GRCh38, 1-based): chr3:122,276,010, G>A. VCF-style: chr3-122276010-G-A. GRCh37 (hg19) VCF-style: chr3-121994857-G-A.
Other names: c.1576G>A, p.Glu526Lys (NM_001178065.2); short protein forms E526K.
Identifiers: ClinVar variation 1470726 (VCV001470726.8), dbSNP rs201568219, ClinGen allele CA82746030.

ClinVar aggregate classification (germline): Uncertain significance. Review status: criteria provided, multiple submitters, no conflicts (2 of 4 stars). 2 submissions from 2 submitters: Uncertain significance (2). Last evaluated 2024-05-06.

Conditions:
Nephrolithiasis/nephrocalcinosis. Identifiers: MedGen CN580796.
Familial hypocalciuric hypercalcemia (FHH). Also called: Familial benign hypercalcemia. Identifiers: Orphanet 405, MedGen C1809471, MONDO:0018458.
Autosomal dominant hypocalcemia 1 (HYPOC1). Also called: HYPOCALCEMIA, FAMILIAL. Identifiers: MedGen C3715128, MONDO:0011013, OMIM 601198.

Allele frequency attached by ClinVar (database versions not stated): gnomAD exomes below 0.00001.
gnomAD v4.1: 2 of 1,613,750 alleles (0.00012%); highest among the groups gnomAD compares: Non-Finnish European, 0.00017%; no homozygotes.

Submissions (2):

Labcorp Genetics (formerly Invitae), Labcorp
Classification: Uncertain significance for Familial hypocalciuric hypercalcemia; Autosomal dominant hypocalcemia 1. Last evaluated: 2024-05-06. Review status: criteria provided, single submitter. Criteria: Invitae Variant Classification Sherloc (09022015). Collection method: clinical testing. Allele origin: germline.
Comment: This sequence change replaces glutamic acid, which is acidic and polar, with lysine, which is basic and polar, at codon 526 of the CASR protein (p.Glu526Lys). This variant is not present in population databases (gnomAD no frequency). This variant has not been reported in the literature in individuals affected with CASR-related conditions. ClinVar contains an entry for this variant (Variation ID: 1470726). Algorithms developed to predict the effect of missense changes on protein structure and function output the following: SIFT: "Not Available"; PolyPhen-2: "Benign"; Align-GVGD: "Not Available". The lysine amino acid residue is found in multiple mammalian species, which suggests that this missense change does not adversely affect protein function. In summary, the available evidence is currently insufficient to determine the role of this variant in disease. Therefore, it has been classified as a Variant of Uncertain Significance.

Ambry Genetics
Classification: Uncertain significance for Nephrolithiasis/nephrocalcinosis. Last evaluated: 2021-12-15. Review status: criteria provided, single submitter. Criteria: Ambry Variant Classification Scheme 2023. Collection method: clinical testing. Allele origin: germline.
Comment: The p.E526K variant (also known as c.1576G>A), located in coding exon 4 of the CASR gene, results from a G to A substitution at nucleotide position 1576. The glutamic acid at codon 526 is replaced by lysine, an amino acid with similar properties. This amino acid position is conserved. In addition, this alteration is predicted to be tolerated by in silico analysis. Since supporting evidence is limited at this time, the clinical significance of this alteration remains unclear.